The following is an entry in ClinVar:

ClinVar aggregate classification (germline): Uncertain significance. Review status: criteria provided, multiple submitters, no conflicts (2 of 4 stars). 2 submissions from 2 submitters: Uncertain significance (2). Last evaluated 2024-10-31.

Allele frequency attached by ClinVar (database versions not stated): gnomAD exomes below 0.00001; TOPMed below 0.00001.
gnomAD v4.1: 1 of 1,612,740 alleles (0.000062%); highest among the groups gnomAD compares: Non-Finnish European, 0.000085%; no homozygotes.

Submissions (2):

Centre for Clinical Genetics and Genomic Diagnostics, Zealand University Hospital
Classification: Uncertain significance. Last evaluated: 2024-10-31. Review status: criteria provided, single submitter. Criteria: ACMG Guidelines, 2015. Collection method: clinical testing. Allele origin: germline.

GeneDx
Classification: Uncertain significance. Last evaluated: 2022-05-10. Review status: criteria provided, single submitter. Criteria: GeneDx Variant Classification Process June 2021. Collection method: clinical testing. Allele origin: germline. Affected: yes.
Comment: Not observed at significant frequency in large population cohorts (gnomAD); In silico analysis supports that this missense variant has a deleterious effect on protein structure/function; Has not been previously published as pathogenic or benign to our knowledge

NM_004456.5(EZH2):c.1682G>A (p.Arg561His)

Gene: EZH2 (enhancer of zeste 2 polycomb repressive complex 2 subunit; minus strand). Cytogenetic location: 7q36.1.
Variant type: single nucleotide variant.
Coding change: c.1682G>A on transcript NM_004456.5 (MANE Select); coding-DNA position 1682, G replaced by A.
Protein change: p.Arg561His; replaces arginine 561 with histidine.
Molecular consequence: missense variant.
Genome position (GRCh38, 1-based): chr7:148,814,128, C>T on the plus strand (G>A on the coding strand, the complement: EZH2 is on the minus strand). VCF-style: chr7-148814128-C-T. GRCh37 (hg19) VCF-style: chr7-148511220-C-T.
Other names: c.1667G>A, p.Arg556His (NM_001203247.2); c.1640G>A, p.Arg547His (NM_001203248.2); c.1514G>A, p.Arg505His (NM_001203249.2); c.1550G>A, p.Arg517His (NM_152998.3); short protein forms R505H, R517H, R547H, R556H, R561H.
Identifiers: ClinVar variation 1723496 (VCV001723496.3), dbSNP rs1164610428, ClinGen allele CA369713629.